The following is an entry in ClinVar:

NM_031935.3(HMCN1):c.13055A>G (p.Lys4352Arg)

Gene: HMCN1 (hemicentin 1; plus strand). Cytogenetic location: 1q31.1.
Variant type: single nucleotide variant.
Coding change: c.13055A>G on transcript NM_031935.3 (MANE Select); coding-DNA position 13055, A replaced by G.
Protein change: p.Lys4352Arg; replaces lysine 4352 with arginine.
Molecular consequence: missense variant.
Genome position (GRCh38, 1-based): chr1:186,130,522, A>G. VCF-style: chr1-186130522-A-G. GRCh37 (hg19) VCF-style: chr1-186099654-A-G.
Other names: short protein forms K4352R.
Identifiers: ClinVar variation 294260 (VCV000294260.16), dbSNP rs78541701, ClinGen allele CA1294540.

ClinVar aggregate classification (germline): Benign. Review status: criteria provided, multiple submitters, no conflicts (2 of 4 stars). 4 submissions from 4 submitters: Benign (4). Last evaluated 2026-01-28.

Conditions:
Age related macular degeneration 1 (ARMD1). Also called: MACULOPATHY, AGE-RELATED, 1. Identifiers: MedGen C1864205, MONDO:0011285, OMIM 603075.

Allele frequency attached by ClinVar (database versions not stated): gnomAD exomes 0.00114 and 0.00293; ExAC 0.00341; gnomAD 0.01160 and 0.01250; 1000 Genomes Project 0.01218; 1000 Genomes Project 30x 0.01312; ESP Exome Variant Server 0.01338; TOPMed 0.01354.
gnomAD v4.1: 3,513 of 1,613,378 alleles (0.22%); highest among the groups gnomAD compares: African/African-American, 4%; 65 homozygotes.

Submissions (5):

Labcorp Genetics (formerly Invitae), Labcorp
Classification: Benign. Last evaluated: 2026-01-28. Review status: criteria provided, single submitter. Criteria: Invitae Variant Classification Sherloc (09022015). Collection method: clinical testing. Allele origin: germline.

Genome-Nilou Lab
Classification: Benign for Age related macular degeneration 1. Last evaluated: 2023-04-11. Review status: criteria provided, single submitter. Criteria: ACMG Guidelines, 2015. Collection method: clinical testing. Allele origin: germline. Affected: no.

Illumina Laboratory Services, Illumina
Classification: Benign for Age related macular degeneration 1. Last evaluated: 2018-01-12. Review status: criteria provided, single submitter. Criteria: ICSL Variant Classification Criteria 13 December 2019. Collection method: clinical testing. Allele origin: germline.
Comment: This variant was observed in the ICSL laboratory as part of a predisposition screen in an ostensibly healthy population. It had not been previously curated by ICSL or reported in the Human Gene Mutation Database (HGMD: prior to June 1st, 2018), and was therefore a candidate for classification through an automated scoring system. Utilizing variant allele frequency, disease prevalence and penetrance estimates, and inheritance mode, an automated score was calculated to assess if this variant is too frequent to cause the disease. Based on the score and internal cut-off values, a variant classified as benign is not then subjected to further curation. The score for this variant resulted in a classification of benign for this disease.

Breakthrough Genomics
Classification: Benign. Review status: criteria provided, single submitter. Criteria: ACMG Guidelines, 2015. Collection method: not provided. Allele origin: germline. Inheritance: Autosomal dominant inheritance. Affected: yes.

Dr. Peter K. Rogan Lab, Western University
No classification provided (evidence only). Condition: Hepatocellular carcinoma. Review status: no classification provided. Collection method: in vitro. Allele origin: not applicable. Functional consequence: retained intron. Not counted in ClinVar's aggregate classification.